The following is an entry in ClinVar:

NM_001286077.2(UBXN1):c.221-14TTGT[2]

Gene: UBXN1 (UBX domain protein 1; minus strand). Cytogenetic location: 11q12.3.
Variant type: Microsatellite.
Coding change: c.221-14TTGT[2] on transcript NM_001286077.2 (MANE Select); two copies in a row of the 4-base unit TTGT starting at c.221-14; the reference has three copies in a row; one copy, 4 bases deleted.
Molecular consequence: intron variant.
Genome position (GRCh38, 1-based): chr11:62,678,411-62,678,414, ACAA deleted on the plus strand (TTGT on the coding strand, the reverse complement: UBXN1 is on the minus strand); deleting any 4 consecutive bases within chr11:62,678,411-62,678,422 gives the same sequence; the position shown is the placement nearest the transcript's 3' end. VCF-style (leftmost placement, unchanged base first): chr11-62678410-TACAA-T. GRCh37 (hg19) VCF-style: chr11-62445882-TACAA-T.
Other names: NC_000011.9:g.62445891_62445894del; c.221-14_221-11del (NM_001286077.2); c.113+268TTGT[2] (NM_001286078.2); c.221-14TTGT[2] (NM_015853.5).
Identifiers: ClinVar variation 2641890 (VCV002641890.24), dbSNP rs557002078, ClinGen allele CA6052905.
Genomic context (GRCh38, chr11:62,678,410, plus strand): 5'-TTCCTGTCTTTCCTCTTCACTCAAAGCGGGTTTGCCTTCTCCGGCAGCAGAACCAGATCC[TACAA>T]ACAAACAATCGGTATTATTATCCCTTCAGATTCTCCTCGGACCCTCCTGAATAATCACAC-3'

ClinVar aggregate classification (germline): Likely benign (1 of 4 stars; one submission).

Submissions (7):

CeGaT Center for Human Genetics Tuebingen
Classification: Likely benign. Last evaluated: 2022-12-01. Review status: criteria provided, single submitter. Criteria: CeGaT Center For Human Genetics Tuebingen Variant Classification Criteria Version 2. Collection method: clinical testing. Allele origin: germline. Affected: yes. Observed: 1 variant allele.
Comment: UBXN1: BP4, BS2

Dr. Peter K. Rogan Lab, Western University
No classification provided (evidence only). Condition: Familial cancer of breast. Review status: no classification provided. Collection method: in vitro. Allele origin: not applicable. Functional consequence: retained intron. Not counted in ClinVar's aggregate classification.

Dr. Peter K. Rogan Lab, Western University
No classification provided (evidence only). Condition: Familial cancer of breast. Review status: no classification provided. Collection method: in vitro. Allele origin: not applicable. Functional consequence: retained intron. Not counted in ClinVar's aggregate classification.

Dr. Peter K. Rogan Lab, Western University
No classification provided (evidence only). Condition: Familial cancer of breast. Review status: no classification provided. Collection method: in vitro. Allele origin: not applicable. Functional consequence: retained intron. Not counted in ClinVar's aggregate classification.

Dr. Peter K. Rogan Lab, Western University
No classification provided (evidence only). Condition: Colon adenocarcinoma. Review status: no classification provided. Collection method: in vitro. Allele origin: not applicable. Functional consequence: retained intron. Not counted in ClinVar's aggregate classification.

Dr. Peter K. Rogan Lab, Western University
No classification provided (evidence only). Condition: Malignant lymphoma, large B-cell, diffuse. Review status: no classification provided. Collection method: in vitro. Allele origin: not applicable. Functional consequence: retained intron. Not counted in ClinVar's aggregate classification.

Dr. Peter K. Rogan Lab, Western University
No classification provided (evidence only). Condition: Uveal melanoma. Review status: no classification provided. Collection method: in vitro. Allele origin: not applicable. Functional consequence: retained intron. Not counted in ClinVar's aggregate classification.